The following is an entry in ClinVar:

NM_000260.4(MYO7A):c.1619C>A (p.Pro540His)

Gene: MYO7A (myosin VIIA; plus strand). Cytogenetic location: 11q13.5.
Variant type: single nucleotide variant.
Coding change: c.1619C>A on transcript NM_000260.4 (MANE Select); coding-DNA position 1619, C replaced by A.
Protein change: p.Pro540His; replaces proline 540 with histidine.
Molecular consequence: missense variant.
Genome position (GRCh38, 1-based): chr11:77,162,917, C>A. VCF-style: chr11-77162917-C-A. GRCh37 (hg19) VCF-style: chr11-76873963-C-A.
Other names: DFNA11; c.1619C>A, p.Pro540His (NM_001127180.2); c.1586C>A, p.Pro529His (NM_001369365.1); short protein forms P540H, P529H.
Identifiers: ClinVar variation 228279 (VCV000228279.46), dbSNP rs782607566, ClinGen allele CA6197533.

ClinVar aggregate classification (germline): Conflicting classifications of pathogenicity. Review status: criteria provided, conflicting classifications (1 of 4 stars). 13 submissions from 11 submitters: Uncertain significance (10); Likely benign (1). 2 of the submissions do not count toward it. Last evaluated 2026-06-01.

Conditions:
Usher syndrome type 1 (USH1). Also called: RETINITIS PIGMENTOSA AND CONGENITAL DEAFNESS. Identifiers: Orphanet 231169, Orphanet 886, MedGen C1568247, MONDO:0010168, OMIM 276900.
Autosomal recessive nonsyndromic hearing loss 2. Also called: NEUROSENSORY NONSYNDROMIC RECESSIVE DEAFNESS 2; DEAFNESS, AUTOSOMAL RECESSIVE 2. Identifiers: Orphanet 90636, MedGen C1838701, MONDO:0010807, OMIM 600060.
Inborn genetic diseases. Identifiers: MedGen C0950123, MeSH D030342.
Autosomal dominant nonsyndromic hearing loss 11. Identifiers: Orphanet 90635, MedGen C1832475, MONDO:0011032, OMIM 601317.
Usher syndrome type 1B (USH1B). Also called: Usher syndrome type IB. Identifiers: MedGen C1848638, MONDO:0700087.

Allele frequency attached by ClinVar (database versions not stated): ExAC 0.00002; gnomAD exomes 0.00004.
gnomAD v4.1: 32 of 1,613,702 alleles (0.002%); highest among the groups gnomAD compares: Non-Finnish European, 0.00051%; no homozygotes.

Submissions (13):

Women's Health and Genetics/Laboratory Corporation of America, LabCorp
Classification: Uncertain significance. Last evaluated: 2026-06-01. Review status: criteria provided, single submitter. Criteria: LabCorp Variant Classification Summary - May 2015. Collection method: clinical testing. Allele origin: germline.
Comment: Variant summary: MYO7A c.1619C>A (p.Pro540His) results in a non-conservative amino acid change in the encoded protein sequence. Algorithms developed to predict the effect of missense changes on protein structure and function all suggest that this variant is likely to be disruptive. The variant allele was found at a frequency of 3.6e-05 in 249270 control chromosomes. The available data on variant occurrences in the general population are insufficient to allow any conclusion about variant significance. To our knowledge, no occurrence of c.1619C>A in individuals affected with MYO7A-related conditions and no experimental evidence demonstrating its impact on protein function have been reported. ClinVar contains an entry for this variant (Variation ID: 228279). Based on the evidence outlined above, the variant was classified as uncertain significance.

Labcorp Genetics (formerly Invitae), Labcorp
Classification: Likely benign. Last evaluated: 2026-01-19. Review status: criteria provided, single submitter. Criteria: Invitae Variant Classification Sherloc (09022015). Collection method: clinical testing. Allele origin: germline.

Laboratory of Prof. Karen Avraham, Tel Aviv University
Classification: Uncertain significance for Autosomal dominant nonsyndromic hearing loss 11. Last evaluated: 2024-12-26. Review status: criteria provided, single submitter. Criteria: ACMG Guidelines, 2015. Collection method: research. Allele origin: germline. Affected: yes. Observed: 1 variant allele.
Comment: The MYO7A c.1619C>A:p.(Pro540His) heterozygous, predicted deleterious, variant is a founder in the Ashkenazi Jewish population.

Ambry Genetics
Classification: Uncertain significance for Inborn genetic diseases. Last evaluated: 2024-11-12. Review status: criteria provided, single submitter. Criteria: Ambry Variant Classification Scheme 2023. Collection method: clinical testing. Allele origin: germline.

CeGaT Center for Human Genetics Tuebingen
Classification: Uncertain significance. Last evaluated: 2023-09-01. Review status: criteria provided, single submitter. Criteria: CeGaT Center For Human Genetics Tuebingen Variant Classification Criteria Version 2. Collection method: clinical testing. Allele origin: germline. Affected: yes. Observed: 1 variant allele.
Comment: MYO7A: PM2

GeneDx
Classification: Uncertain significance. Last evaluated: 2023-04-26. Review status: criteria provided, single submitter. Criteria: GeneDx Variant Classification Process June 2021. Collection method: clinical testing. Allele origin: germline. Affected: yes.
Comment: In silico analysis supports that this missense variant has a deleterious effect on protein structure/function; Has not been previously published as pathogenic or benign to our knowledge

Blueprint Genetics
Classification: Uncertain significance. Last evaluated: 2021-12-01. Review status: criteria provided, single submitter. Criteria: ACMG Guidelines, 2015. Collection method: clinical testing. Allele origin: germline.

Laboratory for Molecular Medicine, Mass General Brigham Personalized Medicine
Classification: Uncertain significance. Last evaluated: 2018-08-15. Review status: criteria provided, single submitter. Criteria: LMM Criteria. Collection method: clinical testing. Allele origin: germline. Observed: 2 variant alleles.
Comment: proposed classification - variant undergoing re-assessment, contact laboratory

Illumina Laboratory Services, Illumina
Classification: Uncertain significance for Usher syndrome type 1. Last evaluated: 2018-01-12. Review status: criteria provided, single submitter. Criteria: ICSL Variant Classification Criteria 13 December 2019. Collection method: clinical testing. Allele origin: germline.

Illumina Laboratory Services, Illumina
Classification: Uncertain significance for Autosomal recessive nonsyndromic hearing loss 2. Last evaluated: 2018-01-12. Review status: criteria provided, single submitter. Criteria: ICSL Variant Classification Criteria 13 December 2019. Collection method: clinical testing. Allele origin: germline.

Illumina Laboratory Services, Illumina
Classification: Uncertain significance for Autosomal dominant nonsyndromic hearing loss 11. Last evaluated: 2018-01-12. Review status: criteria provided, single submitter. Criteria: ICSL Variant Classification Criteria 13 December 2019. Collection method: clinical testing. Allele origin: germline.

Natera, Inc.
Classification: Uncertain significance for Usher syndrome type 1B. Last evaluated: 2020-09-16. Review status: no assertion criteria provided. Collection method: clinical testing. Allele origin: germline. Not counted in ClinVar's aggregate classification.

Counsyl
Classification: Uncertain significance for Usher syndrome type 1; Autosomal recessive nonsyndromic hearing loss 2. Last evaluated: 2017-01-26. Review status: no assertion criteria provided. Collection method: clinical testing. Allele origin: unknown. Not counted in ClinVar's aggregate classification.